The following is an entry in ClinVar:

NM_001386140.1(MTTP):c.1867+5G>A

Gene: MTTP (microsomal triglyceride transfer protein; plus strand). Cytogenetic location: 4q23.
Variant type: single nucleotide variant.
Coding change: c.1867+5G>A on transcript NM_001386140.1 (MANE Select); 5 bases into the intron after coding-DNA position 1867, G replaced by A.
Molecular consequence: intron variant.
Genome position (GRCh38, 1-based): chr4:99,611,245, G>A. VCF-style: chr4-99611245-G-A. GRCh37 (hg19) VCF-style: chr4-100532402-G-A.
Other names: IVS, G-A, +5; c.1867+5G>A (NM_000253.4, NM_000253.3); c.1618+5G>A (NM_001300785.2).
Identifiers: ClinVar variation 14236 (VCV000014236.11), dbSNP rs1429774833, ClinGen allele CA553129592.

ClinVar aggregate classification (germline): Pathogenic/Likely pathogenic. Review status: criteria provided, multiple submitters, no conflicts (2 of 4 stars). 7 submissions from 7 submitters: Pathogenic (5); Likely pathogenic (1). 1 of the submissions does not count toward it. Last evaluated 2025-01-14.

Conditions:
MTTP-related disorder. Also called: MTTP-related condition.
Abetalipoproteinaemia (ABL). Also called: Abetalipoproteinemia; Abetalipoproteinemia neuropathy; Apolipoprotein B deficiency; Congenital betalipoprotein deficiency syndrome; MTP DEFICIENCY. Identifiers: Orphanet 14, MedGen C0000744, MONDO:0008692, OMIM 200100, HP:0008181.

Allele frequency attached by ClinVar (database versions not stated): gnomAD exomes below 0.00001 and 0.00001; TOPMed below 0.00001; gnomAD 0.00001.
gnomAD v4.1: 12 of 1,613,534 alleles (0.00074%); highest among the groups gnomAD compares: Non-Finnish European, 0.001%; no homozygotes.

Submissions (7):

Myriad Genetics, Inc.
Classification: Pathogenic for Abetalipoproteinaemia. Last evaluated: 2025-01-14. Review status: criteria provided, single submitter. Criteria: Myriad Autosomal Dominant, Autosomal Recessive and X-Linked Classification Criteria (2023). Collection method: clinical testing. Allele origin: unknown.
Comment: NM_000253.2(MTTP):c.1867+5G>A is an intronic variant classified as pathogenic in the context of abetalipoproteinemia. c.1867+5G>A has been observed in cases with relevant disease (PMID: 8111381, 8533758). Relevant functional assessments of this variant are not available in the literature. c.1867+5G>A has been observed in referenced population frequency databases. In summary, NM_000253.2(MTTP):c.1867+5G>A is an intronic variant in a gene where loss of function is a known mechanism of disease, is predicted to disrupt protein function, and has been observed more frequently in cases with the relevant disease than in healthy populations. Please note: this variant was assessed in the context of healthy population screening.

Natera, Inc.
Classification: Likely pathogenic for Abetalipoproteinemia. Last evaluated: 2024-12-04. Review status: criteria provided, single submitter. Criteria: Natera Variant Classification Schema (03/2026). Collection method: clinical testing. Allele origin: germline.
Comment: The c.1867+5G>A variant in MTTP is an intronic variant located outside the canonical splice sites. This variant is rare in the general population with a frequency below the threshold expected for the associated phenotype(s). This variant has been observed in one or more individuals affected with the associated recessive disease, as either homozygous or compound heterozygous with a second variant (PMID: 8111381, 8533758). Additionally, this variant has been observed to segregate in affected family members (PMID: 8111381). Functional studies show that this variant may disrupt protein function (PMID: 8111381). Computational prediction algorithms indicate this variant is likely to affect gene or protein function. Given the available evidence, this variant is classified as Likely Pathogenic.

Labcorp Genetics (formerly Invitae), Labcorp
Classification: Pathogenic. Last evaluated: 2024-07-23. Review status: criteria provided, single submitter. Criteria: Invitae Variant Classification Sherloc (09022015). Collection method: clinical testing. Allele origin: germline.
Comment: This sequence change falls in intron 14 of the MTTP gene. It does not directly change the encoded amino acid sequence of the MTTP protein. RNA analysis indicates that this variant induces altered splicing and may result in an absent or altered protein product. This variant is present in population databases (no rsID available, gnomAD 0.0009%). This variant has been observed in individual(s) with abetalipoproteinemia (PMID: 8111381, 8533758). In at least one individual the data is consistent with being in trans (on the opposite chromosome) from a pathogenic variant. It has also been observed to segregate with disease in related individuals. ClinVar contains an entry for this variant (Variation ID: 14236). Variants that disrupt the consensus splice site are a relatively common cause of aberrant splicing (PMID: 17576681, 9536098). Studies have shown that this variant results in skipping of exon 15, and produces a non-functional protein and/or introduces a premature termination codon (PMID: 8111381). For these reasons, this variant has been classified as Pathogenic.

Fulgent Genetics
Classification: Pathogenic for Abetalipoproteinaemia. Last evaluated: 2024-04-03. Review status: criteria provided, single submitter. Criteria: ACMG Guidelines, 2015. Collection method: clinical testing. Allele origin: germline.

Women's Health and Genetics/Laboratory Corporation of America, LabCorp
Classification: Pathogenic for Abetalipoproteinaemia. Last evaluated: 2023-05-17. Review status: criteria provided, single submitter. Criteria: LabCorp Variant Classification Summary - May 2015. Collection method: clinical testing. Allele origin: germline.
Comment: Variant summary: MTTP c.1867+5G>A alters a conserved nucleotide located close to a canonical splice site and therefore could affect mRNA splicing, leading to a significantly altered protein sequence. Several computational tools predict a significant impact on normal splicing: Four predict the variant abolishes the canonical 5' splicing donor site. At least one publication reports experimental evidence that this variant affects mRNA splicing (Shoulders_1994). The variant allele was found at a frequency of 4e-06 in 251400 control chromosomes (gnomAD). c.1867+5G>A has been reported in the literature in multiple individuals affected with Abetalipoproteinaemia (examples: Narcisi_1995 and Shoulders_1993 ). These data indicate that the variant is very likely to be associated with disease. The following publications have been ascertained in the context of this evaluation (PMID: 8533758, 8111381). No clinical diagnostic laboratories have submitted clinical-significance assessments for this variant to ClinVar after 2014. Based on the evidence outlined above, the variant was classified as pathogenic.

Blueprint Genetics
Classification: Pathogenic for MTTP-related disorders. Last evaluated: 2022-09-26. Review status: criteria provided, single submitter. Criteria: ACMG Guidelines, 2015. Collection method: clinical testing. Allele origin: germline. Affected: yes. Observed: 2 variant alleles.

OMIM
Classification: Pathogenic for ABETALIPOPROTEINEMIA. Last evaluated: 1993-12-01. Review status: no assertion criteria provided. Collection method: literature only. Allele origin: germline. Not counted in ClinVar's aggregate classification.

Literature cited by the submitters: PubMed 8111381 (cited by 5 submitters); PubMed 8533758 (cited by 4 submitters); PubMed 17576681 (cited by Labcorp Genetics (formerly Invitae), Labcorp); PubMed 9536098 (cited by Labcorp Genetics (formerly Invitae), Labcorp); PubMed 2903181 (cited by OMIM).